The following is an entry in ClinVar:

ClinVar aggregate classification (germline): Uncertain significance (1 of 4 stars; one submission).

Conditions:
Familial episodic pain syndrome with predominantly lower limb involvement. Also called: Episodic pain syndrome, familial, 3. Identifiers: Orphanet 391384, Orphanet 391392, MedGen C3809899, MONDO:0014247, OMIM 615552.
Hereditary sensory and autonomic neuropathy type 7. Also called: HSAN VII; Neuropathy, hereditary sensory and autonomic, type VII. Identifiers: Orphanet 391397, MedGen C3809882, MONDO:0014244, OMIM 615548.

Submission:

Labcorp Genetics (formerly Invitae), Labcorp
Classification: Uncertain significance for Familial episodic pain syndrome with predominantly lower limb involvement; Hereditary sensory and autonomic neuropathy type 7. Last evaluated: 2026-01-16. Review status: criteria provided, single submitter. Criteria: Invitae Variant Classification Sherloc (09022015). Collection method: clinical testing. Allele origin: germline.
Comment: This sequence change replaces lysine, which is basic and polar, with glutamic acid, which is acidic and polar, at codon 499 of the SCN11A protein (p.Lys499Glu). This variant is not present in population databases (gnomAD no frequency). This variant has not been reported in the literature in individuals affected with SCN11A-related conditions. An algorithm developed to predict the effect of missense changes on protein structure and function (PolyPhen-2) suggests that this variant is likely to be disruptive. In summary, the available evidence is currently insufficient to determine the role of this variant in disease. Therefore, it has been classified as a Variant of Uncertain Significance.

NM_001349253.2(SCN11A):c.1495A>G (p.Lys499Glu)

Gene: SCN11A (sodium voltage-gated channel alpha subunit 11; minus strand). Cytogenetic location: 3p22.2.
Variant type: single nucleotide variant.
Coding change: c.1495A>G on transcript NM_001349253.2 (MANE Select); coding-DNA position 1495, A replaced by G.
Protein change: p.Lys499Glu; replaces lysine 499 with glutamic acid.
Molecular consequence: missense variant.
Genome position (GRCh38, 1-based): chr3:38,905,300, T>C on the plus strand (A>G on the coding strand, the complement: SCN11A is on the minus strand). VCF-style: chr3-38905300-T-C. GRCh37 (hg19) VCF-style: chr3-38946791-T-C.
Other names: c.1495A>G, p.Lys499Glu (NM_014139.3); short protein forms K499E.
Identifiers: ClinVar variation 4790701 (VCV004790701.1).
Genomic context (GRCh38, chr3:38,905,300, plus strand): 5'-TTTGGAGAGGATCTCCATGCTCATCAAAGTGGTCCAGTGATAGATTCTGGGACAGTCGTT[T>C]GGTTTGCTCTAGGAGCTGTGGCTGTAAGAGAAGGCATAGGGCACCTTCTAAAGACAGGGG-3'
Protein context (NP_001336182.1, residues 489-509): QKKPQLLEQT[Lys499Glu]RLSQNLSLDH